The following is an entry in ClinVar:

NM_022437.3(ABCG8):c.1126del (p.Ser376fs)

Gene: ABCG8 (ATP binding cassette subfamily G member 8; plus strand). Cytogenetic location: 2p21.
Variant type: Deletion.
Coding change: c.1126del on transcript NM_022437.3 (MANE Select); coding-DNA position 1126, one base deleted (A; older notation c.1126delA).
Protein change: p.Ser376fs; shifts the reading frame from serine 376.
Molecular consequence: frameshift variant.
Genome position (GRCh38, 1-based): chr2:43,872,137, A deleted; the last of 3 consecutive A bases (chr2:43,872,135-43,872,137); deleting any one gives the same sequence. VCF-style (leftmost placement, unchanged base first): chr2-43872134-GA-G. GRCh37 (hg19) VCF-style: chr2-44099273-GA-G.
Other names: c.1126del, p.Ser376fs (NM_001357321.2); short protein forms S376fs.
Identifiers: ClinVar variation 4770931 (VCV004770931.1).

ClinVar aggregate classification (germline): Pathogenic (1 of 4 stars; one submission).

Submission:

Labcorp Genetics (formerly Invitae), Labcorp
Classification: Pathogenic. Last evaluated: 2025-04-17. Review status: criteria provided, single submitter. Criteria: Invitae Variant Classification Sherloc (09022015). Collection method: clinical testing. Allele origin: germline.
Comment: This sequence change creates a premature translational stop signal (p.Ser376Alafs*3) in the ABCG8 gene. It is expected to result in an absent or disrupted protein product. Loss-of-function variants in ABCG8 are known to be pathogenic (PMID: 11452359, 15375183, 16029460). This variant is not present in population databases (gnomAD no frequency). This variant has not been reported in the literature in individuals affected with ABCG8-related conditions. For these reasons, this variant has been classified as Pathogenic.

Literature cited by the submitters: PubMed 11452359; PubMed 15375183; PubMed 16029460.